The following is an entry in ClinVar:

ClinVar aggregate classification (germline): Uncertain significance. Review status: criteria provided, multiple submitters, no conflicts (2 of 4 stars). 2 submissions from 2 submitters: Uncertain significance (2). Last evaluated 2025-10-15.

Conditions:
Inborn genetic diseases. Identifiers: MedGen C0950123, MeSH D030342.
Malignant hyperthermia, susceptibility to, 1 (MHS1). Also called: Anesthesia related hyperthermia; Malignant hyperpyrexia; Fulminating hyperpyrexia; Pharmacogenic myopathy; RYR1-Related Malignant Hyperthermia Susceptibility; Malignant hyperthermia suceptibility 1. Identifiers: Orphanet 423, MedGen C2930980, MONDO:0007783, OMIM 145600.

Allele frequency attached by ClinVar (database versions not stated): gnomAD exomes below 0.00001; TOPMed below 0.00001; gnomAD 0.00001.
gnomAD v4.1: 3 of 1,614,014 alleles (0.00019%); highest among the groups gnomAD compares: Non-Finnish European, 0.00025%; no homozygotes.

Submissions (2):

Ambry Genetics
Classification: Uncertain significance for Inborn genetic diseases. Last evaluated: 2025-10-15. Review status: criteria provided, single submitter. Criteria: Ambry Variant Classification Scheme 2023. Collection method: clinical testing. Allele origin: germline.

All of Us Research Program, National Institutes of Health
Classification: Uncertain significance for Malignant hyperthermia, susceptibility to, 1. Last evaluated: 2024-01-11. Review status: criteria provided, single submitter. Criteria: ACMG Guidelines, 2015. Collection method: clinical testing. Allele origin: germline. Inheritance: Autosomal dominant inheritance. Observed: 1 variant allele, 1 heterozygote.
Comment: This study involves interpretation of variants in research participants for the purpose of population health screening. Participant phenotype was not available at the time of variant classification. Additional details can be found in publication PMID: 35346344, PMCID: PMC8962531

NM_000540.3(RYR1):c.14452G>A (p.Ala4818Thr)

Gene: RYR1 (ryanodine receptor 1; plus strand). Cytogenetic location: 19q13.2.
Variant type: single nucleotide variant.
Coding change: c.14452G>A on transcript NM_000540.3 (MANE Select); coding-DNA position 14452, G replaced by A.
Protein change: p.Ala4818Thr; replaces alanine 4818 with threonine.
Molecular consequence: missense variant.
Genome position (GRCh38, 1-based): chr19:38,580,069, G>A. VCF-style: chr19-38580069-G-A. GRCh37 (hg19) VCF-style: chr19-39070709-G-A.
Other names: c.14437G>A, p.Ala4813Thr (NM_001042723.2); short protein forms A4813T, A4818T.
Identifiers: ClinVar variation 3075319 (VCV003075319.2), dbSNP rs1442308910, ClinGen allele CA405687200.